The following is an entry in ClinVar:

ClinVar aggregate classification (germline): Conflicting classifications of pathogenicity. Review status: criteria provided, conflicting classifications (1 of 4 stars). 3 submissions from 3 submitters: Uncertain significance (1); Likely benign (1). 1 of the submissions does not count toward it. Last evaluated 2026-01-23.

Conditions:
PLEKHG2-related disorder. Also called: PLEKHG2-related condition.

Allele frequency attached by ClinVar (database versions not stated): ExAC 0.00029; 1000 Genomes Project 0.00040; gnomAD exomes 0.00043; 1000 Genomes Project 30x 0.00047; TOPMed 0.00060; gnomAD 0.00062 and 0.00064.
gnomAD v4.1: 209 of 1,593,944 alleles (0.013%); highest among the groups gnomAD compares: Admixed American, 0.33%; 1 homozygote.

Submissions (3):

Labcorp Genetics (formerly Invitae), Labcorp
Classification: Likely benign. Last evaluated: 2026-01-23. Review status: criteria provided, single submitter. Criteria: Invitae Variant Classification Sherloc (09022015). Collection method: clinical testing. Allele origin: germline.

Ambry Genetics
Classification: Uncertain significance. Last evaluated: 2025-08-30. Review status: criteria provided, single submitter. Criteria: Ambry Variant Classification Scheme 2023. Collection method: clinical testing. Allele origin: germline.

PreventionGenetics, part of Exact Sciences
Classification: Likely benign for PLEKHG2-related condition. Last evaluated: 2022-04-12. Review status: no assertion criteria provided. Collection method: clinical testing. Allele origin: germline. Not counted in ClinVar's aggregate classification.
Comment: This variant is classified as likely benign based on ACMG/AMP sequence variant interpretation guidelines (Richards et al. 2015 PMID: 25741868, with internal and published modifications).

NM_022835.3(PLEKHG2):c.215G>T (p.Cys72Phe)

Gene: PLEKHG2 (pleckstrin homology and RhoGEF domain containing G2; plus strand). Cytogenetic location: 19q13.2.
Variant type: single nucleotide variant.
Coding change: c.215G>T on transcript NM_022835.3 (MANE Select); coding-DNA position 215, G replaced by T.
Protein change: p.Cys72Phe; replaces cysteine 72 with phenylalanine.
Molecular consequence: missense variant. On other transcripts: intron variant (1).
Genome position (GRCh38, 1-based): chr19:39,415,097, G>T. VCF-style: chr19-39415097-G-T. GRCh37 (hg19) VCF-style: chr19-39905737-G-T.
Other names: c.215G>T, p.Cys72Phe (NM_001351694.2); c.110-72G>T (NM_001351693.2); c.215G>T (NM_022835.2); short protein forms C72F.
Identifiers: ClinVar variation 1042500 (VCV001042500.8), dbSNP rs554874064, ClinGen allele CA9429008.